The following is an entry in ClinVar:

ClinVar aggregate classification (germline): Conflicting classifications of pathogenicity. Review status: criteria provided, conflicting classifications (1 of 4 stars). 5 submissions from 5 submitters: Uncertain significance (1); Benign (1); Likely benign (2). 1 of the submissions does not count toward it. Last evaluated 2025-12-26.

Conditions:
Nemaline myopathy 2 (NEM2). Also called: Nemaline myopathy 2, autosomal recessive. Identifiers: MedGen C1850569, MONDO:0009725, OMIM 256030.

Allele frequency attached by ClinVar (database versions not stated): gnomAD exomes 0.00001 and 0.00003; gnomAD 0.00011 and 0.00012; TOPMed 0.00014.
gnomAD v4.1: 35 of 1,549,796 alleles (0.0023%); highest among the groups gnomAD compares: African/African-American, 0.04%; no homozygotes.

Submissions (5):

Labcorp Genetics (formerly Invitae), Labcorp
Classification: Benign for Nemaline myopathy 2. Last evaluated: 2025-12-26. Review status: criteria provided, single submitter. Criteria: Invitae Variant Classification Sherloc (09022015). Collection method: clinical testing. Allele origin: germline.

Revvity Omics, Revvity
Classification: Uncertain significance. Last evaluated: 2019-04-02. Review status: criteria provided, single submitter. Criteria: ACMG Guidelines, 2015. Collection method: clinical testing. Allele origin: germline.

GeneDx
Classification: Likely benign. Last evaluated: 2017-07-26. Review status: criteria provided, single submitter. Criteria: GeneDx Variant Classification (06012015). Collection method: clinical testing. Allele origin: germline. Affected: yes.
Comment: This variant is considered likely benign or benign based on one or more of the following criteria: it is a conservative change, it occurs at a poorly conserved position in the protein, it is predicted to be benign by multiple in silico algorithms, and/or has population frequency not consistent with disease.

PreventionGenetics, part of Exact Sciences
Classification: Likely benign. Review status: criteria provided, single submitter. Criteria: ACMG Guidelines, 2015. Collection method: clinical testing. Allele origin: germline.

Natera, Inc.
Classification: Uncertain significance for Nemaline myopathy type 2. Last evaluated: 2020-01-17. Review status: no assertion criteria provided. Collection method: clinical testing. Allele origin: germline. Not counted in ClinVar's aggregate classification.

NM_001164508.2(NEB):c.21406A>T (p.Met7136Leu)

Genes: NEB (nebulin; minus strand), RIF1 (replication timing regulatory factor 1; plus strand). Cytogenetic location: 2q23.3.
Variant type: single nucleotide variant.
Coding change: c.21406A>T on transcript NM_001164508.2 (MANE Select); coding-DNA position 21406, A replaced by T.
Protein change: p.Met7136Leu; replaces methionine 7136 with leucine.
Molecular consequence: missense variant. On other transcripts: intron variant (2).
Genome position (GRCh38, 1-based): chr2:151,533,453, T>A on the plus strand (A>T on the coding strand, the complement: NEB is on the minus strand). VCF-style: chr2-151533453-T-A. GRCh37 (hg19) VCF-style: chr2-152389967-T-A.
Other names: c.21511A>T, p.Met7171Leu (NM_001271208.2); c.16314+762A>T (NM_004543.5); c.21417+762A>T (NM_001164507.2); short protein forms M7171L, M7136L.
Identifiers: ClinVar variation 257789 (VCV000257789.13), dbSNP rs886038447, ClinGen allele CA10586756.